The following is an entry in ClinVar:

NM_001127222.2(CACNA1A):c.3404G>C (p.Gly1135Ala)

Gene: CACNA1A (calcium voltage-gated channel subunit alpha1 A; minus strand). Cytogenetic location: 19p13.13.
Variant type: single nucleotide variant.
Coding change: c.3404G>C on transcript NM_001127222.2 (MANE Select); coding-DNA position 3404, G replaced by C.
Protein change: p.Gly1135Ala; replaces glycine 1135 with alanine.
Molecular consequence: missense variant.
Genome position (GRCh38, 1-based): chr19:13,286,652, C>G on the plus strand (G>C on the coding strand, the complement: CACNA1A is on the minus strand). VCF-style: chr19-13286652-C-G. GRCh37 (hg19) VCF-style: chr19-13397466-C-G.
Other names: c.3416G>C, p.Gly1139Ala (NM_000068.4, NM_023035.3); c.3407G>C, p.Gly1136Ala (NM_001127221.2, NM_001174080.2); short protein forms G1135A, G1136A, G1139A.
Identifiers: ClinVar variation 3370730 (VCV003370730.1).
Genomic context (GRCh38, chr19:13,286,652, plus strand): 5'-TTGGTCTGGGTGCCGCTGGGGTTGGTGACGATAAGGCTATTCTCGGGGGTCTTGGGGGGG[C>G]CGGGATTGGATGGGTTCCCCGGGTTGTTGGGCGTCCGGCGGCTGGCGGCGTTCTGGGGGT-3'
Protein context (NP_001120694.1, residues 1125-1145): PNNPGNPSNP[Gly1135Ala]PPKTPENSLI

ClinVar aggregate classification (germline): Uncertain significance (1 of 4 stars; one submission).

gnomAD v4.1: 1 of 1,538,414 alleles (0.000065%); highest among the groups gnomAD compares: African/African-American, 0.0014%; no homozygotes.

Submission:

GeneDx
Classification: Uncertain significance. Last evaluated: 2024-03-13. Review status: criteria provided, single submitter. Criteria: GeneDx Variant Classification Process June 2021. Collection method: clinical testing. Allele origin: germline. Affected: yes.
Comment: Not observed at significant frequency in large population cohorts (gnomAD); In silico analysis supports that this missense variant does not alter protein structure/function; Has not been previously published as pathogenic or benign to our knowledge; This variant is associated with the following publications: (PMID: 34436362)